The following is an entry in ClinVar:

NM_002439.5(MSH3):c.1870G>C (p.Gly624Arg)

Gene: MSH3 (mutS homolog 3; plus strand). Cytogenetic location: 5q14.1.
Variant type: single nucleotide variant.
Coding change: c.1870G>C on transcript NM_002439.5 (MANE Select); coding-DNA position 1870, G replaced by C.
Protein change: p.Gly624Arg; replaces glycine 624 with arginine.
Molecular consequence: missense variant.
Genome position (GRCh38, 1-based): chr5:80,761,652, G>C. VCF-style: chr5-80761652-G-C. GRCh37 (hg19) VCF-style: chr5-80057471-G-C.
Other names: c.1870G>C (NM_002439.3, NM_002439.4); short protein forms G624R.
Identifiers: ClinVar variation 1400953 (VCV001400953.10), dbSNP rs756300808, ClinGen allele CA360276689.

ClinVar aggregate classification (germline): Uncertain significance. Review status: criteria provided, multiple submitters, no conflicts (2 of 4 stars). 3 submissions from 3 submitters: Uncertain significance (3). Last evaluated 2025-07-10.

Conditions:
Hereditary cancer-predisposing syndrome. Also called: Hereditary Cancer Syndrome; Hereditary neoplastic syndrome; Tumor predisposition; Neoplastic Syndromes, Hereditary. Identifiers: Orphanet 140162, MedGen C0027672, MeSH D009386, MONDO:0015356.

Submissions (3):

Ambry Genetics
Classification: Uncertain significance for Hereditary cancer-predisposing syndrome. Last evaluated: 2025-07-10. Review status: criteria provided, single submitter. Criteria: Ambry Variant Classification Scheme 2023. Collection method: clinical testing. Allele origin: germline.
Comment: The p.G624R variant (also known as c.1870G>C), located in coding exon 13 of the MSH3 gene, results from a G to C substitution at nucleotide position 1870. The glycine at codon 624 is replaced by arginine, an amino acid with dissimilar properties. This amino acid position is conserved. In addition, this alteration is predicted to be deleterious by in silico analysis. Based on the available evidence, the clinical significance of this variant remains unclear.

GeneDx
Classification: Uncertain significance. Last evaluated: 2023-10-26. Review status: criteria provided, single submitter. Criteria: GeneDx Variant Classification Process June 2021. Collection method: clinical testing. Allele origin: germline. Affected: yes.
Comment: Not observed at significant frequency in large population cohorts (gnomAD); In silico analysis supports that this missense variant has a deleterious effect on protein structure/function; Has not been previously published as pathogenic or benign to our knowledge

Labcorp Genetics (formerly Invitae), Labcorp
Classification: Uncertain significance. Last evaluated: 2022-07-06. Review status: criteria provided, single submitter. Criteria: Invitae Variant Classification Sherloc (09022015). Collection method: clinical testing. Allele origin: germline.
Comment: In summary, the available evidence is currently insufficient to determine the role of this variant in disease. Therefore, it has been classified as a Variant of Uncertain Significance. Algorithms developed to predict the effect of missense changes on protein structure and function are either unavailable or do not agree on the potential impact of this missense change (SIFT: "Deleterious"; PolyPhen-2: "Probably Damaging"; Align-GVGD: "Class C0"). ClinVar contains an entry for this variant (Variation ID: 1400953). This variant has not been reported in the literature in individuals affected with MSH3-related conditions. This variant is not present in population databases (gnomAD no frequency). This sequence change replaces glycine, which is neutral and non-polar, with arginine, which is basic and polar, at codon 624 of the MSH3 protein (p.Gly624Arg).